The following is an entry in ClinVar:

NM_004924.6(ACTN4):c.2414G>A (p.Arg805Gln)

Gene: ACTN4 (actinin alpha 4; plus strand). Cytogenetic location: 19q13.2.
Variant type: single nucleotide variant.
Coding change: c.2414G>A on transcript NM_004924.6 (MANE Select); coding-DNA position 2414, G replaced by A.
Protein change: p.Arg805Gln; replaces arginine 805 with glutamine.
Molecular consequence: missense variant. On other transcripts: intron variant (1).
Genome position (GRCh38, 1-based): chr19:38,728,022, G>A. VCF-style: chr19-38728022-G-A. GRCh37 (hg19) VCF-style: chr19-39218662-G-A.
Other names: c.2414G>A, p.Arg805Gln (NM_001411143.1); c.2338-294G>A (NM_001322033.2); short protein forms R805Q.
Identifiers: ClinVar variation 2215741 (VCV002215741.6), dbSNP rs753638235, ClinGen allele CA9417994.

ClinVar aggregate classification (germline): Uncertain significance. Review status: criteria provided, multiple submitters, no conflicts (2 of 4 stars). 3 submissions from 3 submitters: Uncertain significance (3). Last evaluated 2024-05-17.

Conditions:
Focal segmental glomerulosclerosis 1 (FSGS1). Identifiers: Orphanet 656, MedGen C4551527, MONDO:0011303, OMIM 603278.
Inborn genetic diseases. Identifiers: MedGen C0950123, MeSH D030342.

Allele frequency attached by ClinVar (database versions not stated): gnomAD exomes 0.00001; gnomAD 0.00002; TOPMed 0.00002; ExAC 0.00004.
gnomAD v4.1: 17 of 1,611,544 alleles (0.0011%); highest among the groups gnomAD compares: Admixed American, 0.005%; no homozygotes.

Submissions (3):

Fulgent Genetics
Classification: Uncertain significance for Focal segmental glomerulosclerosis 1. Last evaluated: 2024-05-17. Review status: criteria provided, single submitter. Criteria: ACMG Guidelines, 2015. Collection method: clinical testing. Allele origin: germline.

Ambry Genetics
Classification: Uncertain significance for Inborn genetic diseases. Last evaluated: 2022-12-15. Review status: criteria provided, single submitter. Criteria: Ambry Variant Classification Scheme 2023. Collection method: clinical testing. Allele origin: germline.

Labcorp Genetics (formerly Invitae), Labcorp
Classification: Uncertain significance. Last evaluated: 2022-11-10. Review status: criteria provided, single submitter. Criteria: Invitae Variant Classification Sherloc (09022015). Collection method: clinical testing. Allele origin: germline.
Comment: This sequence change replaces arginine, which is basic and polar, with glutamine, which is neutral and polar, at codon 805 of the ACTN4 protein (p.Arg805Gln). This variant is present in population databases (rs753638235, gnomAD 0.01%). In summary, the available evidence is currently insufficient to determine the role of this variant in disease. Therefore, it has been classified as a Variant of Uncertain Significance. Algorithms developed to predict the effect of missense changes on protein structure and function are either unavailable or do not agree on the potential impact of this missense change (SIFT: "Not Available"; PolyPhen-2: "Benign"; Align-GVGD: "Not Available"). This variant has not been reported in the literature in individuals affected with ACTN4-related conditions.